The following is an entry in ClinVar:

NM_006201.5(CDK16):c.-6-335C>G

Gene: CDK16 (cyclin dependent kinase 16; plus strand). Cytogenetic location: Xp11.3.
Variant type: single nucleotide variant.
Coding change: c.-6-335C>G on transcript NM_006201.5 (MANE Select); 335 bases into the intron before 6 bases upstream of the start codon, C replaced by G.
Molecular consequence: intron variant. On other transcripts: missense variant (1).
Genome position (GRCh38, 1-based): chrX:47,223,217, C>G. VCF-style: chrX-47223217-C-G. GRCh37 (hg19) VCF-style: chrX-47082616-C-G.
Other names: c.122C>G, p.Ala41Gly (NM_001170460.2); c.13-335C>G (NM_033018.4); c.122C>G (NM_001170460.1); short protein forms A41G.
Identifiers: ClinVar variation 166816 (VCV000166816.8), dbSNP rs727503843, ClinGen allele CA179852.

ClinVar aggregate classification (germline): Benign. Review status: criteria provided, single submitter (1 of 4 stars). 2 submissions from 2 submitters: Benign (1). 1 of the submissions does not count toward it. Last evaluated 2015-05-14.

Conditions:
CDK16-related disorder. Also called: CDK16-related condition.

Allele frequency attached by ClinVar (database versions not stated): 1000 Genomes Project 0.00397; gnomAD exomes 0.00139; ExAC 0.00260; gnomAD 0.00502 and 0.00542; TOPMed 0.00586; 1000 Genomes Project 30x 0.00395.
gnomAD v4.1: 1,131 of 1,154,815 alleles (0.098%); highest among the groups gnomAD compares: African/African-American, 1.8%; 10 homozygotes.

Submissions (2):

Eurofins Ntd Llc (ga)
Classification: Benign. Last evaluated: 2015-05-14. Review status: criteria provided, single submitter. Criteria: EGL Classification Definitions 2015. Collection method: clinical testing. Allele origin: germline. Observed: 1 variant allele, 1 hemizygote.

PreventionGenetics, part of Exact Sciences
Classification: Benign for CDK16-related condition. Last evaluated: 2019-06-13. Review status: no assertion criteria provided. Collection method: clinical testing. Allele origin: germline. Not counted in ClinVar's aggregate classification.
Comment: This variant is classified as benign based on ACMG/AMP sequence variant interpretation guidelines (Richards et al. 2015 PMID: 25741868, with internal and published modifications).